The following is an entry in ClinVar:

NM_002221.4(ITPKB):c.526T>C (p.Ser176Pro)

Gene: ITPKB (inositol-trisphosphate 3-kinase B; minus strand). Cytogenetic location: 1q42.12.
Variant type: single nucleotide variant.
Coding change: c.526T>C on transcript NM_002221.4 (MANE Select); coding-DNA position 526, T replaced by C.
Protein change: p.Ser176Pro; replaces serine 176 with proline.
Molecular consequence: missense variant.
Genome position (GRCh38, 1-based): chr1:226,736,933, A>G on the plus strand (T>C on the coding strand, the complement: ITPKB is on the minus strand). VCF-style: chr1-226736933-A-G. GRCh37 (hg19) VCF-style: chr1-226924634-A-G.
Other names: c.526T>C, p.Ser176Pro (NM_001388404.1); short protein forms S176P.
Identifiers: ClinVar variation 3054138 (VCV003054138.2), dbSNP rs3754414, ClinGen allele CA1424158.
Genomic context (GRCh38, chr1:226,736,933, plus strand): 5'-GGGCGCCCTGAACCAGGACCCTTCCAGGGGGCTGACTGCTGCTGCGGAAGGGGCACGGGG[A>G]GGGCGAGCGAGCCCTGCCCAAACGCGGGCTGCGGGGCGCTTGAATGGCGGAGCTCTGTGC-3'
Protein context (NP_002212.3, residues 166-186): SPRLGRARSP[Ser176Pro]PCPFRSSSQP

ClinVar aggregate classification (germline): Likely benign (0 of 4 stars; one submission).

Conditions:
ITPKB-related disorder. Also called: ITPKB-related condition.

Allele frequency attached by ClinVar (database versions not stated): TOPMed 0.00012; gnomAD 0.00018; ExAC 0.00043; 1000 Genomes Project 30x 0.00125; 1000 Genomes Project 0.00160.
gnomAD v4.1: 410 of 1,608,588 alleles (0.025%); highest among the groups gnomAD compares: East Asian, 0.9%; 8 homozygotes.

Submission:

PreventionGenetics, part of Exact Sciences
Classification: Likely benign for ITPKB-related condition. Last evaluated: 2023-02-21. Review status: no assertion criteria provided. Collection method: clinical testing. Allele origin: germline.
Comment: This variant is classified as likely benign based on ACMG/AMP sequence variant interpretation guidelines (Richards et al. 2015 PMID: 25741868, with internal and published modifications).